The following is an entry in ClinVar:

ClinVar aggregate classification (germline): Pathogenic (1 of 4 stars; one submission).

Conditions:
Usher syndrome type 1F (USH1F). Also called: USHER SYNDROME, TYPE IF. Identifiers: Orphanet 231169, Orphanet 886, MedGen C1865885, MONDO:0011186, OMIM 602083.

Submission:

Myriad Genetics, Inc.
Classification: Pathogenic for Usher syndrome type 1F. Last evaluated: 2024-01-23. Review status: criteria provided, single submitter. Criteria: Myriad Autosomal Dominant, Autosomal Recessive and X-Linked Classification Criteria (2023). Collection method: clinical testing. Allele origin: unknown.
Comment: NM_033056.3(PCDH15):c.484delG(V162Lfs*18) is expected to be pathogenic in the context of PCDH15-related disorders. This variant is predicted to lead to an abnormal or absent protein product due to the creation of a premature termination codon in PCDH15, a gene where loss-of-function variants are known to be pathogenic. Please note: this variant was assessed in the context of healthy population screening.

NM_001384140.1(PCDH15):c.484del (p.Val162fs)

Gene: PCDH15 (protocadherin related 15; minus strand). Cytogenetic location: 10q21.1.
Variant type: Deletion.
Coding change: c.484del on transcript NM_001384140.1 (MANE Select); coding-DNA position 484, one base deleted (G; older notation c.484delG).
Protein change: p.Val162fs; shifts the reading frame from valine 162.
Molecular consequence: frameshift variant.
Genome position (GRCh38, 1-based): chr10:54,346,475, C deleted on the plus strand (G on the coding strand, the reverse complement: PCDH15 is on the minus strand). VCF-style (leftmost placement, unchanged base first): chr10-54346474-AC-A. GRCh37 (hg19) VCF-style: chr10-56106234-AC-A.
Other names: c.499del, p.Val167fs (NM_001142763.2, NM_001142771.2); c.484del, p.Val162fs (NM_001142764.2, NM_001142765.2, NM_001142766.2 and 8 more transcripts); c.418del, p.Val140fs (NM_001142768.2, NM_001142773.2, NM_001354404.2); c.499delG, p.Val167Leufs (NM_001142769.4); short protein forms V140fs, V162fs, V167fs.
Identifiers: ClinVar variation 5012676 (VCV005012676.1).
Genomic context (GRCh38, chr10:54,346,474, plus strand): 5'-CCATCATCTATATCTGTAGCTCCATTGTCTCCTGAAAATCCTGTGAATATTGTGGTACCA[AC>A]TGGAGTGAGCTGAAAGGAAAAAAGATTTTAAATATCAATTTTCATTTTATCAACTGCACA-3'